The following is an entry in ClinVar:

NM_000384.3(APOB):c.5717C>T (p.Thr1906Ile)

Gene: APOB (apolipoprotein B; minus strand). Cytogenetic location: 2p24.1.
Variant type: single nucleotide variant.
Coding change: c.5717C>T on transcript NM_000384.3 (MANE Select); coding-DNA position 5717, C replaced by T.
Protein change: p.Thr1906Ile; replaces threonine 1906 with isoleucine.
Molecular consequence: missense variant.
Genome position (GRCh38, 1-based): chr2:21,011,151, G>A on the plus strand (C>T on the coding strand, the complement: APOB is on the minus strand). VCF-style: chr2-21011151-G-A. GRCh37 (hg19) VCF-style: chr2-21234023-G-A.
Other names: short protein forms T1906I.
Identifiers: ClinVar variation 3415397 (VCV003415397.1).

ClinVar aggregate classification (germline): Uncertain significance (1 of 4 stars; one submission).

Conditions:
Cardiovascular phenotype. Identifiers: MedGen CN230736.

gnomAD v4.1: 2 of 1,614,158 alleles (0.00012%); highest among the groups gnomAD compares: African/African-American, 0.0013%; no homozygotes.

Submission:

Ambry Genetics
Classification: Uncertain significance for Cardiovascular phenotype. Last evaluated: 2024-11-10. Review status: criteria provided, single submitter. Criteria: Ambry Variant Classification Scheme 2023. Collection method: clinical testing. Allele origin: germline.
Comment: The p.T1906I variant (also known as c.5717C>T), located in coding exon 26 of the APOB gene, results from a C to T substitution at nucleotide position 5717. The threonine at codon 1906 is replaced by isoleucine, an amino acid with similar properties. This amino acid position is conserved. In addition, this alteration is predicted to be tolerated by in silico analysis. Based on the available evidence, the clinical significance of this variant remains unclear.